The following is an entry in ClinVar:

NM_002905.5(RDH5):c.778G>T (p.Asp260Tyr)

Genes: CD63 (CD63 molecule; minus strand), RDH5 (retinol dehydrogenase 5; plus strand), BLOC1S1-RDH5 (BLOC1S1-RDH5 readthrough; plus strand). Cytogenetic location: 12q13.2.
Variant type: single nucleotide variant.
Coding change: c.778G>T on transcript NM_002905.5 (MANE Select); coding-DNA position 778, G replaced by T.
Protein change: p.Asp260Tyr; replaces aspartic acid 260 with tyrosine.
Molecular consequence: missense variant. On other transcripts: non-coding transcript variant (1).
Genome position (GRCh38, 1-based): chr12:55,724,366, G>T. VCF-style: chr12-55724366-G-T. GRCh37 (hg19) VCF-style: chr12-56118150-G-T.
Other names: c.778G>T, p.Asp260Tyr (NM_001199771.3); short protein forms D260Y.
Identifiers: ClinVar variation 1414415 (VCV001414415.6), dbSNP rs1877095781, ClinGen allele CA385203141.

ClinVar aggregate classification (germline): Uncertain significance (1 of 4 stars; one submission).

Submission:

Labcorp Genetics (formerly Invitae), Labcorp
Classification: Uncertain significance. Last evaluated: 2022-02-09. Review status: criteria provided, single submitter. Criteria: Invitae Variant Classification Sherloc (09022015). Collection method: clinical testing. Allele origin: germline.
Comment: In summary, the available evidence is currently insufficient to determine the role of this variant in disease. Therefore, it has been classified as a Variant of Uncertain Significance. Algorithms developed to predict the effect of sequence changes on RNA splicing suggest that this variant may create or strengthen a splice site. Algorithms developed to predict the effect of missense changes on protein structure and function are either unavailable or do not agree on the potential impact of this missense change (SIFT: "Deleterious"; PolyPhen-2: "Possibly Damaging"; Align-GVGD: "Class C0"). This variant has not been reported in the literature in individuals affected with RDH5-related conditions. This variant is not present in population databases (gnomAD no frequency). This sequence change replaces aspartic acid, which is acidic and polar, with tyrosine, which is neutral and polar, at codon 260 of the RDH5 protein (p.Asp260Tyr).